The following is an entry in ClinVar:

ClinVar aggregate classification (germline): Uncertain significance. Review status: criteria provided, multiple submitters, no conflicts (2 of 4 stars). 2 submissions from 2 submitters: Uncertain significance (2). Last evaluated 2024-12-02.

Submissions (2):

GeneDx
Classification: Uncertain significance. Last evaluated: 2024-12-02. Review status: criteria provided, single submitter. Criteria: GeneDx Variant Classification Process June 2021. Collection method: clinical testing. Allele origin: germline.
Comment: Not observed at significant frequency in large population cohorts (gnomAD); In silico analysis indicates that this variant does not alter protein structure/function; Has not been previously published as pathogenic or benign to our knowledge

Labcorp Genetics (formerly Invitae), Labcorp
Classification: Uncertain significance. Last evaluated: 2023-08-17. Review status: criteria provided, single submitter. Criteria: Invitae Variant Classification Sherloc (09022015). Collection method: clinical testing. Allele origin: germline.
Comment: This variant has not been reported in the literature in individuals affected with ARID1B-related conditions. In summary, the available evidence is currently insufficient to determine the role of this variant in disease. Therefore, it has been classified as a Variant of Uncertain Significance. Experimental studies and prediction algorithms are not available or were not evaluated, and the functional significance of this variant is currently unknown. ClinVar contains an entry for this variant (Variation ID: 1707955). The frequency data for this variant in the population databases is considered unreliable, as metrics indicate insufficient coverage at this position in the gnomAD database. This sequence change replaces alanine, which is neutral and non-polar, with serine, which is neutral and polar, at codon 470 of the ARID1B protein (p.Ala470Ser).

NM_001374828.1(ARID1B):c.1656_1657delinsCT (p.Ala553Ser)

Gene: ARID1B (AT-rich interaction domain 1B; plus strand). Cytogenetic location: 6q25.3.
Variant type: Indel.
Coding change: c.1656_1657delinsCT on transcript NM_001374828.1 (MANE Select); coding-DNA positions 1656 to 1657, GG replaced by CT.
Protein change: p.Ala553Ser; replaces alanine 553 with serine.
Molecular consequence: missense variant.
Genome position (GRCh38, 1-based): chr6:156,779,336-156,779,337, GG replaced by CT. VCF-style: chr6-156779336-GG-CT. GRCh37 (hg19) VCF-style: chr6-157100470-GG-CT.
Other names: c.1407_1408delinsCT (NM_020732.3); c.1656_1657delinsCT, p.Ala553Ser (NM_001371656.1, NM_001374820.1, NM_017519.3); short protein forms A553S.
Identifiers: ClinVar variation 1707955 (VCV001707955.6), dbSNP rs2546844668, ClinGen allele CA2580075280.